The following is an entry in ClinVar:

ClinVar aggregate classification (germline): Pathogenic/Likely pathogenic. Review status: criteria provided, multiple submitters, no conflicts (2 of 4 stars). 10 submissions from 10 submitters: Pathogenic (3); Likely pathogenic (5). 2 of the submissions do not count toward it. Last evaluated 2026-05-05.

Conditions:
BBS10-related disorder. Also called: BBS10-related condition.
Bardet-Biedl syndrome 1 (BBS1). Identifiers: MedGen C2936862, MONDO:0008854, OMIM 209900. Disease mechanism: loss of function.
Bardet-Biedl syndrome (BBS). Identifiers: Orphanet 110, MedGen C0752166, MONDO:0015229.
Bardet-Biedl syndrome 10 (BBS10). Identifiers: Orphanet 110, MedGen C1859568, MONDO:0014438, OMIM 615987.

Allele frequency attached by ClinVar (database versions not stated): gnomAD 0.00002; gnomAD exomes 0.00002; TOPMed 0.00002.
gnomAD v4.1: 31 of 1,613,208 alleles (0.0019%); highest among the groups gnomAD compares: Non-Finnish European, 0.0025%; no homozygotes.

Submissions (10):

Myriad Genetics, Inc.
Classification: Likely pathogenic for Bardet-Biedl syndrome 10. Last evaluated: 2026-05-05. Review status: criteria provided, single submitter. Criteria: Myriad Autosomal Dominant, Autosomal Recessive and X-Linked Classification Criteria (2023). Collection method: clinical testing. Allele origin: unknown.
Comment: NM_024685.3(BBS10):c.164T>C(L55P) is a missense variant classified as likely pathogenic in the context of Bardet-Biedl syndrome, BBS10-related. L55P has been observed in cases with relevant disease (PMID: 33046855, 20472660, 39533427, 21642631). Relevant functional assessments of this variant are not available in the literature. L55P has not been observed in referenced population frequency databases. In summary, NM_024685.3(BBS10):c.164T>C(L55P) is a missense variant that has been observed more frequently in cases with the relevant disease than in healthy populations. Please note: this variant was assessed in the context of healthy population screening.

Natera, Inc.
Classification: Likely pathogenic for Bardet-Biedl syndrome type 10. Last evaluated: 2025-07-28. Review status: criteria provided, single submitter. Criteria: Natera Variant Classification Schema (03/2026). Collection method: clinical testing. Allele origin: germline.
Comment: The c.164T>C variant in BBS10 is a missense variant predicted to cause substitution of leucine to proline at amino acid 55. This variant is rare in the general population with a frequency below the threshold expected for the associated phenotype(s). This variant has been observed in one or more individuals affected with the associated recessive disease, as either homozygous or compound heterozygous with a second variant (PMID: 21642631, 39533427). Additionally, this variant has been observed to segregate in affected family members (PMID: 20472660). Computational prediction algorithms indicate this variant is likely to affect gene or protein function. Given the available evidence, this variant is classified as Likely Pathogenic.

Labcorp Genetics (formerly Invitae), Labcorp
Classification: Pathogenic for Bardet-Biedl syndrome. Last evaluated: 2025-04-28. Review status: criteria provided, single submitter. Criteria: Invitae Variant Classification Sherloc (09022015). Collection method: clinical testing. Allele origin: germline.
Comment: This sequence change replaces leucine, which is neutral and non-polar, with proline, which is neutral and non-polar, at codon 55 of the BBS10 protein (p.Leu55Pro). This variant is present in population databases (no rsID available, gnomAD 0.007%). This missense change has been observed in individual(s) with a diagnosis of, or clinical features of, Bardet-Biedl syndrome (PMID: 20472660; internal data). In at least one individual the data is consistent with being in trans (on the opposite chromosome) from a pathogenic variant. It has also been observed to segregate with disease in related individuals. ClinVar contains an entry for this variant (Variation ID: 522272). Invitae Evidence Modeling of protein sequence and biophysical properties (such as structural, functional, and spatial information, amino acid conservation, physicochemical variation, residue mobility, and thermodynamic stability) indicates that this missense variant is expected to disrupt BBS10 protein function with a positive predictive value of 80%. For these reasons, this variant has been classified as Pathogenic.

GeneDx
Classification: Likely pathogenic. Last evaluated: 2024-11-13. Review status: criteria provided, single submitter. Criteria: GeneDx Variant Classification Process June 2021. Collection method: clinical testing. Allele origin: germline. Affected: yes.
Comment: Not observed at significant frequency in large population cohorts (gnomAD); In silico analysis supports that this missense variant has a deleterious effect on protein structure/function; This variant is associated with the following publications: (PMID: 31980526, 20472660, 31964843, 21642631, 21344540)

Blueprint Genetics
Classification: Pathogenic for BBS10-related disorders. Last evaluated: 2021-09-06. Review status: criteria provided, single submitter. Criteria: ACMG Guidelines, 2015. Collection method: clinical testing. Allele origin: germline. Affected: yes. Observed: 2 variant alleles.

Fulgent Genetics
Classification: Likely pathogenic for Bardet-Biedl syndrome 10. Last evaluated: 2018-10-31. Review status: criteria provided, single submitter. Criteria: ACMG Guidelines, 2015. Collection method: clinical testing. Allele origin: unknown.

Genome Diagnostics Laboratory, University Medical Center Utrecht
Classification: Pathogenic for Bardet-Biedl syndrome 1. Last evaluated: 2017-07-28. Review status: criteria provided, single submitter. Criteria: ACGS Guidelines, 2013. Collection method: clinical testing. Allele origin: germline. Affected: yes. Study: VKGL Data-share Consensus.

Clinical Genetics DNA and cytogenetics Diagnostics Lab, Erasmus MC, Erasmus Medical Center
Classification: Likely pathogenic for Bardet-Biedl syndrome 1. Last evaluated: 2017-05-31. Review status: criteria provided, single submitter. Criteria: ACGS Guidelines, 2013. Collection method: clinical testing. Allele origin: germline. Affected: yes. Study: VKGL Data-share Consensus.

Clinical Genetics, Academic Medical Center
Classification: Likely pathogenic. Review status: no assertion criteria provided. Collection method: clinical testing. Allele origin: germline. Affected: yes. Study: VKGL Data-share Consensus. Not counted in ClinVar's aggregate classification.

Genome Diagnostics Laboratory, Amsterdam University Medical Center
Classification: Pathogenic. Review status: no assertion criteria provided. Collection method: clinical testing. Allele origin: germline. Affected: yes. Study: VKGL Data-share Consensus. Not counted in ClinVar's aggregate classification.

Literature cited by the submitters: PubMed 20472660 (cited by 3 submitters); PubMed 21642631 (cited by Myriad Genetics, Inc. and Natera, Inc.); PubMed 33046855 (cited by Myriad Genetics, Inc.); PubMed 39533427 (cited by Myriad Genetics, Inc. and Natera, Inc.).

NM_024685.4(BBS10):c.164T>C (p.Leu55Pro)

Gene: BBS10 (Bardet-Biedl syndrome 10; minus strand). Cytogenetic location: 12q21.2.
Variant type: single nucleotide variant.
Coding change: c.164T>C on transcript NM_024685.4 (MANE Select); coding-DNA position 164, T replaced by C.
Protein change: p.Leu55Pro; replaces leucine 55 with proline.
Molecular consequence: missense variant.
Genome position (GRCh38, 1-based): chr12:76,348,195, A>G on the plus strand (T>C on the coding strand, the complement: BBS10 is on the minus strand). VCF-style: chr12-76348195-A-G. GRCh37 (hg19) VCF-style: chr12-76741975-A-G.
Other names: c.164T>C, p.Leu55Pro (LRG_1255t1); short protein forms L55P.
Identifiers: ClinVar variation 522272 (VCV000522272.23), dbSNP rs1460517643, ClinGen allele CA385816113.
Genomic context (GRCh38, chr12:76,348,195, plus strand): 5'-ACGGGTTAGCGTGTGGGACGCGGGTACCTGGCTATGGGATGCTCTAAGTGTAGCGCCTCC[A>G]GGAGGCGGCCTCCATTCCGGCTGAGAAGCACCTCGCCAGTGGGCTTCGTACACAAAACTT-3'
Protein context (NP_078961.3, residues 45-65): VLLSRNGGRL[Leu55Pro]EALHLEHPIA